The following is an entry in ClinVar:

NM_001374385.1(ATP8B1):c.134A>C (p.Asn45Thr)

Gene: ATP8B1 (ATPase phospholipid transporting 8B1; minus strand). Cytogenetic location: 18q21.31.
Variant type: single nucleotide variant.
Coding change: c.134A>C on transcript NM_001374385.1 (MANE Select); coding-DNA position 134, A replaced by C.
Protein change: p.Asn45Thr; replaces asparagine 45 with threonine.
Molecular consequence: missense variant.
Genome position (GRCh38, 1-based): chr18:57,731,674, T>G on the plus strand (A>C on the coding strand, the complement: ATP8B1 is on the minus strand). VCF-style: chr18-57731674-T-G. GRCh37 (hg19) VCF-style: chr18-55398906-T-G.
Other names: c.82A>C, p.Thr28Pro (NM_001374386.1); c.134A>C, p.Asn45Thr (NM_005603.6); short protein forms N45T, T28P.
Identifiers: ClinVar variation 290971 (VCV000290971.64), dbSNP rs146599962, ClinGen allele CA8974948.
Genomic context (GRCh38, chr18:57,731,674, plus strand): 5'-TTCATGTGGTTACCTTTTCTGAATGGCTCCCGGTTCTCCTCTGCTTCCCTGTTGACTCGG[T>G]TTTGTTCTGGTTCAACAGCAGACCCCTGGTCATCAAGTTCATCTTCTGTTTCATCATCAC-3'
Protein context (NP_001361314.1, residues 35-55): DQGSAVEPEQ[Asn45Thr]RVNREAEENR

ClinVar aggregate classification (germline): Benign/Likely benign. Review status: criteria provided, multiple submitters, no conflicts (2 of 4 stars). 11 submissions from 11 submitters: Benign (1); Likely benign (10). Last evaluated 2026-09-01.

Conditions:
Benign recurrent intrahepatic cholestasis type 1. Also called: SUMMERSKILL SYNDROME; Mild-to-Moderate ATP8B1 Deficiency (Benign Recurrent Intrahepatic Cholestasis 1 [BRIC1]). Identifiers: Orphanet 65682, Orphanet 99960, MedGen C4551899, MONDO:0009469, OMIM 243300.
Cholestasis, intrahepatic, of pregnancy, 1 (ICP1). Also called: CHOLESTASIS, PREGNANCY-RELATED, 1. Identifiers: Orphanet 69665, MedGen C3549845, MONDO:0007829, OMIM 147480.
Progressive familial intrahepatic cholestasis type 1. Also called: BYLER DISEASE; Severe ATP8B1 Deficiency (Progressive Familial Intrahepatic Cholestasis Type 1 [PFIC1]); Byler's disease. Identifiers: Orphanet 79306, MedGen C4551898, MONDO:0008892, OMIM 211600.
Familial intrahepatic cholestasis. Identifiers: Orphanet 284385, MedGen CN296401, MONDO:0017290.

Allele frequency attached by ClinVar (database versions not stated): 1000 Genomes Project 0.00160; 1000 Genomes Project 30x 0.00172; ESP Exome Variant Server 0.00315; TOPMed 0.00418; gnomAD exomes 0.00473; ExAC 0.00493; gnomAD 0.00657.
gnomAD v4.1: 7,709 of 1,614,060 alleles (0.48%); highest among the groups gnomAD compares: Non-Finnish European, 0.55%; 29 homozygotes.

Submissions (11):

CeGaT Center for Human Genetics Tuebingen
Classification: Likely benign. Last evaluated: 2026-09-01. Review status: criteria provided, single submitter. Criteria: CeGaT Center For Human Genetics Tuebingen Variant Classification Criteria Version 2. Collection method: clinical testing. Allele origin: germline. Affected: yes. Observed: 17 variant alleles.
Comment: ATP8B1: PP2, BS2

Genomenon, Inc
Classification: Benign for Familial intrahepatic cholestasis. Last evaluated: 2026-04-14. Review status: criteria provided, single submitter. Criteria: Genomenon Sequence Variant Interpretation Standards - Updated. Collection method: curation. Allele origin: germline. Affected: no.
Comment: ATP8B1 p.Asn45Thr (c.134A>C) is a missense variant that changes the amino acid at residue 45 from Asparagine to Threonine. In silico models predict that this variant is not damaging. This variant is present at high allele frequency in population databases. In conclusion, we classify ATP8B1 p.Asn45Thr (c.134A>C) as a benign variant.

Labcorp Genetics (formerly Invitae), Labcorp
Classification: Likely benign. Last evaluated: 2026-02-04. Review status: criteria provided, single submitter. Criteria: Invitae Variant Classification Sherloc (09022015). Collection method: clinical testing. Allele origin: germline.

Mayo Clinic Laboratories, Mayo Clinic
Classification: Likely benign. Last evaluated: 2025-02-26. Review status: criteria provided, single submitter. Criteria: ACMG Guidelines, 2015. Collection method: clinical testing. Allele origin: germline. Observed: 3 variant alleles.
Comment: BS1, BP4_moderate

Blueprint Genetics
Classification: Likely benign. Last evaluated: 2024-11-28. Review status: criteria provided, single submitter. Criteria: ACMG Guidelines, 2015. Collection method: clinical testing. Allele origin: germline.

Genomic Medicine Center of Excellence, King Faisal Specialist Hospital and Research Centre
Classification: Likely benign for Cholestasis, intrahepatic, of pregnancy, 1. Last evaluated: 2024-03-25. Review status: criteria provided, single submitter. Criteria: ACMG Guidelines, 2015. Collection method: clinical testing. Allele origin: germline.

Fulgent Genetics
Classification: Likely benign for Cholestasis, intrahepatic, of pregnancy, 1; Progressive familial intrahepatic cholestasis type 1; Benign recurrent intrahepatic cholestasis type 1. Last evaluated: 2021-09-15. Review status: criteria provided, single submitter. Criteria: ACMG Guidelines, 2015. Collection method: clinical testing. Allele origin: unknown.

GeneDx
Classification: Likely benign. Last evaluated: 2021-02-14. Review status: criteria provided, single submitter. Criteria: GeneDx Variant Classification (06012015). Collection method: clinical testing. Allele origin: germline. Affected: yes.
Comment: This variant is associated with the following publications: (PMID: 29238877, 28733223, 28924228, 28626473, 22947535, 26823041, 24164717, 24260417, 15657619)

Illumina Laboratory Services, Illumina
Classification: Likely benign for Progressive familial intrahepatic cholestasis type 1. Last evaluated: 2017-04-27. Review status: criteria provided, single submitter. Criteria: ICSL Variant Classification Criteria 13 December 2019. Collection method: clinical testing. Allele origin: germline.
Comment: This variant was observed as part of a predisposition screen in an ostensibly healthy population. A literature search was performed for the gene, cDNA change, and amino acid change (where applicable). No publications were found based on this search. Allele frequency data from public databases allowed determination this variant is unlikely to cause disease. Therefore, this variant is classified as likely benign.

Eurofins Ntd Llc (ga)
Classification: Likely benign. Last evaluated: 2016-08-25. Review status: criteria provided, single submitter. Criteria: EGL Classification Definitions 2015. Collection method: clinical testing. Allele origin: germline. Observed: 2 variant alleles, 2 heterozygotes.

Breakthrough Genomics
Classification: Likely benign. Review status: criteria provided, single submitter. Criteria: ACMG Guidelines, 2015. Collection method: not provided. Allele origin: germline. Inheritance: Autosomal recessive inheritance. Affected: yes.

Literature cited by the submitters: PubMed 20683201 (cited by Mayo Clinic Laboratories, Mayo Clinic); PubMed 24260417 (cited by Mayo Clinic Laboratories, Mayo Clinic); PubMed 28626473 (cited by Mayo Clinic Laboratories, Mayo Clinic); PubMed 28733223 (cited by Mayo Clinic Laboratories, Mayo Clinic); PubMed 29191380 (cited by Mayo Clinic Laboratories, Mayo Clinic); PubMed 29238877 (cited by Mayo Clinic Laboratories, Mayo Clinic); PubMed 32650689 (cited by Mayo Clinic Laboratories, Mayo Clinic); PubMed 35894240 (cited by Mayo Clinic Laboratories, Mayo Clinic).